The following is an entry in ClinVar:

NM_000180.4(GUCY2D):c.1542C>A (p.His514Gln)

Gene: GUCY2D (guanylate cyclase 2D, retinal; plus strand). Cytogenetic location: 17p13.1.
Variant type: single nucleotide variant.
Coding change: c.1542C>A on transcript NM_000180.4 (MANE Select); coding-DNA position 1542, C replaced by A.
Protein change: p.His514Gln; replaces histidine 514 with glutamine.
Molecular consequence: missense variant.
Genome position (GRCh38, 1-based): chr17:8,007,504, C>A. VCF-style: chr17-8007504-C-A. GRCh37 (hg19) VCF-style: chr17-7910822-C-A.
Other names: short protein forms H514Q.
Identifiers: ClinVar variation 1309513 (VCV001309513.2), dbSNP rs2151800915, ClinGen allele CA397949363.

ClinVar aggregate classification (germline): Uncertain significance (1 of 4 stars; one submission).

gnomAD v4.1: 2 of 1,608,056 alleles (0.00012%); highest among the groups gnomAD compares: Non-Finnish European, 0.00017%; no homozygotes.

Submission:

GeneDx
Classification: Uncertain significance. Last evaluated: 2019-11-07. Review status: criteria provided, single submitter. Criteria: GeneDx Variant Classification Process June 2021. Collection method: clinical testing. Allele origin: germline. Affected: yes.
Comment: Not observed in large population cohorts (Lek et al., 2016); In silico analysis, which includes protein predictors and evolutionary conservation, supports that this variant does not alter protein structure/function; Has not been previously published as pathogenic or benign to our knowledge